The following is an entry in ClinVar:

NM_013275.6(ANKRD11):c.7259A>G (p.Asp2420Gly)

Gene: ANKRD11 (ankyrin repeat domain 11; minus strand). Cytogenetic location: 16q24.3.
Variant type: single nucleotide variant.
Coding change: c.7259A>G on transcript NM_013275.6 (MANE Select); coding-DNA position 7259, A replaced by G.
Protein change: p.Asp2420Gly; replaces aspartic acid 2420 with glycine.
Molecular consequence: missense variant.
Genome position (GRCh38, 1-based): chr16:89,279,283, T>C on the plus strand (A>G on the coding strand, the complement: ANKRD11 is on the minus strand). VCF-style: chr16-89279283-T-C. GRCh37 (hg19) VCF-style: chr16-89345691-T-C.
Other names: c.7259A>G, p.Asp2420Gly (NM_001256182.2, NM_001256183.2); short protein forms D2420G.
Identifiers: ClinVar variation 4689974 (VCV004689974.1).

ClinVar aggregate classification (germline): Uncertain significance (1 of 4 stars; one submission).

gnomAD v4.1: 3 of 1,611,624 alleles (0.00019%); highest among the groups gnomAD compares: Non-Finnish European, 0.00025%; no homozygotes.

Submission:

GeneDx
Classification: Uncertain significance. Last evaluated: 2025-07-27. Review status: criteria provided, single submitter. Criteria: GeneDx Variant Classification Process June 2021. Collection method: clinical testing. Allele origin: germline. Affected: yes.
Comment: Not observed at significant frequency in large population cohorts (gnomAD); In silico analysis supports that this missense variant has a deleterious effect on protein structure/function; Missense variant in a gene in which most reported pathogenic variants are truncating/loss of function; Has not been previously published as pathogenic or benign to our knowledge